The following is an entry in ClinVar:

ClinVar aggregate classification (germline): Uncertain significance. Review status: criteria provided, multiple submitters, no conflicts (2 of 4 stars). 4 submissions from 4 submitters: Uncertain significance (4). Last evaluated 2026-05-06.

Conditions:
TTC21B-related disorder. Also called: TTC21B-related disorders; TTC21B-related condition.
Inborn genetic diseases. Identifiers: MedGen C0950123, MeSH D030342.
Nephronophthisis. Also called: Juvenile Nephronophthisis. Identifiers: Orphanet 655, MedGen C0687120, MONDO:0019005, HP:0000090.
Jeune thoracic dystrophy. Also called: Jeune syndrome; Infantile thoracic dystrophy; Thoracic pelvic phalangeal dystrophy; Jeune's syndrome; Chondroectodermal dysplasia-like syndrome; Short-rib thoracic dysplasia. Identifiers: Orphanet 474, MedGen C0265275, MONDO:0018770.
Nephronophthisis 12 (NPHP12). Identifiers: Orphanet 655, MedGen C3151186, MONDO:0013442, OMIM 613820.
Asphyxiating thoracic dystrophy 4 (SRTD4). Also called: SHORT-RIB THORACIC DYSPLASIA 4 WITH OR WITHOUT POLYDACTYLY; SHORT-RIB THORACIC DYSPLASIA 4. Identifiers: Orphanet 474, MedGen C3151185, MONDO:0013441, OMIM 613819.

Allele frequency attached by ClinVar (database versions not stated): gnomAD exomes below 0.00001 and 0.00002; ExAC 0.00003; gnomAD 0.00003 and 0.00004; TOPMed 0.00006; ESP Exome Variant Server 0.00015.
gnomAD v4.1: 11 of 1,613,726 alleles (0.00068%); highest among the groups gnomAD compares: African/African-American, 0.008%; no homozygotes.

Submissions (4):

PreventionGenetics, part of Exact Sciences
Classification: Uncertain significance for TTC21B-related condition. Last evaluated: 2026-05-06. Review status: criteria provided, single submitter. Criteria: ACMG Guidelines, 2015. Collection method: clinical testing. Allele origin: germline.
Comment: The TTC21B c.361A>G variant is predicted to result in the amino acid substitution p.Ile121Val. To our knowledge, this variant has not been reported in the literature. This variant is reported in 0.018% of alleles in individuals of African descent in gnomAD. At this time, the clinical significance of this variant is uncertain due to the absence of conclusive functional and genetic evidence.

Ambry Genetics
Classification: Uncertain significance for Inborn genetic diseases. Last evaluated: 2025-08-26. Review status: criteria provided, single submitter. Criteria: Ambry Variant Classification Scheme 2023. Collection method: clinical testing. Allele origin: germline.

Fulgent Genetics
Classification: Uncertain significance for Asphyxiating thoracic dystrophy 4; Nephronophthisis 12. Last evaluated: 2022-03-02. Review status: criteria provided, single submitter. Criteria: ACMG Guidelines, 2015. Collection method: clinical testing. Allele origin: unknown.

Labcorp Genetics (formerly Invitae), Labcorp
Classification: Uncertain significance for Jeune thoracic dystrophy; Nephronophthisis. Last evaluated: 2021-06-06. Review status: criteria provided, single submitter. Criteria: Invitae Variant Classification Sherloc (09022015). Collection method: clinical testing. Allele origin: germline.
Comment: This sequence change replaces isoleucine with valine at codon 121 of the TTC21B protein (p.Ile121Val). The isoleucine residue is moderately conserved and there is a small physicochemical difference between isoleucine and valine. This variant is present in population databases (rs373353875, ExAC 0.04%). This variant has not been reported in the literature in individuals with TTC21B-related disease. Algorithms developed to predict the effect of missense changes on protein structure and function output the following: SIFT: "Tolerated"; PolyPhen-2: "Benign"; Align-GVGD: "Class C0". The valine amino acid residue is found in multiple mammalian species, suggesting that this missense change does not adversely affect protein function. These predictions have not been confirmed by published functional studies and their clinical significance is uncertain. In summary, the available evidence is currently insufficient to determine the role of this variant in disease. Therefore, it has been classified as a Variant of Uncertain Significance.

NM_024753.5(TTC21B):c.361A>G (p.Ile121Val)

Genes: TTC21B (tetratricopeptide repeat domain 21B; minus strand), TTC21B-AS1 (TTC21B antisense RNA 1; plus strand). Cytogenetic location: 2q24.3.
Variant type: single nucleotide variant.
Coding change: c.361A>G on transcript NM_024753.5 (MANE Select); coding-DNA position 361, A replaced by G.
Protein change: p.Ile121Val; replaces isoleucine 121 with valine.
Molecular consequence: missense variant.
Genome position (GRCh38, 1-based): chr2:165,945,592, T>C on the plus strand (A>G on the coding strand, the complement: TTC21B is on the minus strand). VCF-style: chr2-165945592-T-C. GRCh37 (hg19) VCF-style: chr2-166802102-T-C.
Other names: c.361A>G (NM_024753.3, NM_024753.4); short protein forms I121V.
Identifiers: ClinVar variation 1429054 (VCV001429054.10), dbSNP rs373353875, ClinGen allele CA1942466.